The following is an entry in ClinVar:

ClinVar aggregate classification (germline): Uncertain significance (1 of 4 stars; one submission).

Conditions:
Inborn genetic diseases. Identifiers: MedGen C0950123, MeSH D030342.

Allele frequency attached by ClinVar (database versions not stated): gnomAD exomes 0.00001.
gnomAD v4.1: 5 of 1,614,160 alleles (0.00031%); highest among the groups gnomAD compares: Non-Finnish European, 0.00042%; no homozygotes.

Submission:

Ambry Genetics
Classification: Uncertain significance for Inborn genetic diseases. Last evaluated: 2020-12-07. Review status: criteria provided, single submitter. Criteria: Ambry Variant Classification Scheme 2023. Collection method: clinical testing. Allele origin: germline.
Comment: The p.R93Q variant (also known as c.278G>A), located in coding exon 3 of the YARS gene, results from a G to A substitution at nucleotide position 278. The arginine at codon 93 is replaced by glutamine, an amino acid with highly similar properties. This amino acid position is highly conserved in available vertebrate species. In addition, this alteration is predicted to be deleterious by in silico analysis. Since supporting evidence is limited at this time, the clinical significance of this alteration remains unclear.

NM_003680.4(YARS1):c.278G>A (p.Arg93Gln)

Gene: YARS1 (tyrosyl-tRNA synthetase 1; minus strand). Cytogenetic location: 1p35.1.
Variant type: single nucleotide variant.
Coding change: c.278G>A on transcript NM_003680.4 (MANE Select); coding-DNA position 278, G replaced by A.
Protein change: p.Arg93Gln; replaces arginine 93 with glutamine.
Molecular consequence: missense variant.
Genome position (GRCh38, 1-based): chr1:32,810,693, C>T on the plus strand (G>A on the coding strand, the complement: YARS1 is on the minus strand). VCF-style: chr1-32810693-C-T. GRCh37 (hg19) VCF-style: chr1-33276294-C-T.
Other names: short protein forms R93Q.
Identifiers: ClinVar variation 1800200 (VCV001800200.2), dbSNP rs755177211, ClinGen allele CA339687223.
Genomic context (GRCh38, chr1:32,810,693, plus strand): 5'-TCCAAGGGCACACCAATGCTCTCCAGCATTGCTTTGATCACATTCTCATAGTAACTGACT[C>T]GGAGTTCTAGAAGTTCCCATGGGGCTTTCATGTTATCCAGGTATGCGTGGAGGTCCGCAA-3'
Protein context (NP_003671.1, residues 83-103): MKAPWELLEL[Arg93Gln]VSYYENVIKA